The following is an entry in ClinVar:

ClinVar aggregate classification (germline): Uncertain significance (1 of 4 stars; one submission).

Conditions:
Autoimmune interstitial lung disease-arthritis syndrome. Also called: Autoinflammation and autoimmunity, systemic, with immune dysregulation. Identifiers: Orphanet 444092, MedGen C5975714, MONDO:0014629.

Allele frequency attached by ClinVar (database versions not stated): gnomAD 0.00001 and 0.00002; TOPMed 0.00002.
gnomAD v4.1: 7 of 1,611,340 alleles (0.00043%); highest among the groups gnomAD compares: East Asian, 0.0022%; no homozygotes.

Submission:

Labcorp Genetics (formerly Invitae), Labcorp
Classification: Uncertain significance for Autoimmune interstitial lung disease-arthritis syndrome. Last evaluated: 2025-08-04. Review status: criteria provided, single submitter. Criteria: Invitae Variant Classification Sherloc (09022015). Collection method: clinical testing. Allele origin: germline.
Comment: This sequence change replaces arginine, which is basic and polar, with tryptophan, which is neutral and slightly polar, at codon 358 of the COPA protein (p.Arg358Trp). This variant is not present in population databases (gnomAD no frequency). This variant has not been reported in the literature in individuals affected with COPA-related conditions. ClinVar contains an entry for this variant (Variation ID: 850114). Invitae Evidence Modeling of protein sequence and biophysical properties (such as structural, functional, and spatial information, amino acid conservation, physicochemical variation, residue mobility, and thermodynamic stability) indicates that this missense variant is expected to disrupt COPA protein function with a positive predictive value of 80%. In summary, the available evidence is currently insufficient to determine the role of this variant in disease. Therefore, it has been classified as a Variant of Uncertain Significance.

NM_004371.4(COPA):c.1072C>T (p.Arg358Trp)

Gene: COPA (coat protein complex I subunit alpha; minus strand). Cytogenetic location: 1q23.2.
Variant type: single nucleotide variant.
Coding change: c.1072C>T on transcript NM_004371.4 (MANE Select); coding-DNA position 1072, C replaced by T.
Protein change: p.Arg358Trp; replaces arginine 358 with tryptophan.
Molecular consequence: missense variant.
Genome position (GRCh38, 1-based): chr1:160,311,872, G>A on the plus strand (C>T on the coding strand, the complement: COPA is on the minus strand). VCF-style: chr1-160311872-G-A. GRCh37 (hg19) VCF-style: chr1-160281662-G-A.
Other names: c.1072C>T, p.Arg358Trp (NM_001098398.2); short protein forms R358W.
Identifiers: ClinVar variation 850114 (VCV000850114.9), dbSNP rs1465029263, ClinGen allele CA343260460.
Genomic context (GRCh38, chr1:160,311,872, plus strand): 5'-GTTGTATCAGGGTGACAGATGAGAGGGTTTGGAGGAAAGAAACAAGTCCGATTTACCTCC[G>A]CAACTGCATCACAGCTACATCTTTGGAGCTGTTGAAATCCAGCTGTCGTAAGAATCGGTC-3'
Protein context (NP_004362.2, residues 348-368): SSKDVAVMQL[Arg358Trp]SGSKFPVFNM